The following is an entry in ClinVar:

ClinVar aggregate classification (germline): Uncertain significance (1 of 4 stars; one submission).

Conditions:
Guillouet-Gordon syndrome. Identifiers: MedGen C6012729, MONDO:0979227, OMIM 621220.

Submission:

3billion
Classification: Uncertain significance for Guillouet-Gordon syndrome. Last evaluated: 2025-10-31. Review status: criteria provided, single submitter. Criteria: ACMG Guidelines, 2015. Collection method: clinical testing. Allele origin: germline. Affected: yes.
Comment: The variant is not observed in the gnomAD v4.1.0 dataset. Predicted Consequence/Location: Missense variant. Missense changes are a common disease-causing mechanism. Damaging effect on gene or gene product predicted by in silico programs is uncertain [REVEL: 0.48 (damaging >=0.6, benign <0.4)]. Therefore, this variant is classified as VUS according to the recommendation of ACMG/AMP guideline.

NM_005481.3(MED16):c.917T>G (p.Val306Gly)

Gene: MED16 (mediator complex subunit 16; minus strand). Cytogenetic location: 19p13.3.
Variant type: single nucleotide variant.
Coding change: c.917T>G on transcript NM_005481.3 (MANE Select); coding-DNA position 917, T replaced by G.
Protein change: p.Val306Gly; replaces valine 306 with glycine.
Molecular consequence: missense variant.
Genome position (GRCh38, 1-based): chr19:884,971, A>C on the plus strand (T>G on the coding strand, the complement: MED16 is on the minus strand). VCF-style: chr19-884971-A-C. GRCh37 (hg19) VCF-style: chr19-884971-A-C.
Other names: short protein forms V306G.
Identifiers: ClinVar variation 4856298 (VCV004856298.1).
Genomic context (GRCh38, chr19:884,971, plus strand): 5'-GAGATCTGCTGGAAGATGTTGTTCACGGGGAGTCCCTCCTTGCGCAGGGACCAGCACTCC[A>C]CGATGCTGCTGGTCTGGCTGGACGCGCACAAAAGCACCTGCGGGGGAGGTGGGGGTGAGG-3'
Protein context (NP_005472.2, residues 296-316): LCASSQTSSI[Val306Gly]ECWSLRKEGL